The following is an entry in ClinVar:

ClinVar aggregate classification (germline): Likely pathogenic (1 of 4 stars; one submission).

Conditions:
Dilated cardiomyopathy 1G (CMD1G). Identifiers: Orphanet 154, MedGen C1858763, MONDO:0011400, OMIM 604145.
Autosomal recessive limb-girdle muscular dystrophy type 2J (LGMDR10). Also called: Limb-girdle muscular dystrophy, type 2J; MUSCULAR DYSTROPHY, LIMB-GIRDLE, AUTOSOMAL RECESSIVE 10. Identifiers: Orphanet 140922, MedGen C1837342, MONDO:0012127, OMIM 608807.

Submission:

Labcorp Genetics (formerly Invitae), Labcorp
Classification: Likely pathogenic for Dilated cardiomyopathy 1G; Autosomal recessive limb-girdle muscular dystrophy type 2J. Last evaluated: 2024-10-18. Review status: criteria provided, single submitter. Criteria: Invitae Variant Classification Sherloc (09022015). Collection method: clinical testing. Allele origin: germline.
Comment: This sequence change creates a premature translational stop signal (p.Thr2345Aspfs*4) in the TTN gene. While this is not anticipated to result in nonsense mediated decay, it is expected to create a truncated TTN protein. This variant is not present in population databases (gnomAD no frequency). This variant has not been reported in the literature in individuals affected with TTN-related conditions. ClinVar contains an entry for this variant (Variation ID: 937120). This variant is located in the I band of TTN (PMID: 25589632). Truncating variants in this region have been reported in individuals affected with autosomal recessive centronuclear myopathy (PMID: 23975875, internal data). Truncating variants in this region have also been identified in individuals affected with autosomal dominant dilated cardiomyopathy and/or cardio-related conditions (PMID: 27869827, 32964742, internal data). In summary, the currently available evidence indicates that the variant is pathogenic, but additional data are needed to prove that conclusively. Therefore, this variant has been classified as Likely Pathogenic.

Literature cited by the submitters: PubMed 25589632; PubMed 23975875; PubMed 27869827; PubMed 32964742.

NM_001267550.2(TTN):c.7031dup (p.Thr2345fs)

Genes: TTN (titin; minus strand), LOC126806433 (BRD4-independent group 4 enhancer GRCh37_chr2:179638309-179639508; plus strand). Cytogenetic location: 2q31.2.
Variant type: Duplication.
Coding change: c.7031dup on transcript NM_001267550.2 (MANE Select); coding-DNA position 7031, one base duplicated (A; older notation c.7031dupA).
Protein change: p.Thr2345fs; shifts the reading frame from threonine 2345.
Molecular consequence: frameshift variant.
Genome position (GRCh38, 1-based): chr2:178,774,233, T duplicated on the plus strand (A on the coding strand, the reverse complement: TTN is on the minus strand); the first of 5 consecutive T bases (chr2:178,774,233-178,774,237); duplicating any one gives the same sequence. VCF-style (leftmost placement, unchanged base first): chr2-178774232-C-CT. GRCh37 (hg19) VCF-style: chr2-179638959-C-CT.
Other names: c.7031dup, p.Thr2345fs (NM_001256850.1, NM_133378.4, NM_133379.5); c.6893dup, p.Thr2299fs (NM_003319.4, NM_133432.3, NM_133437.4); short protein forms T2345fs, T2299fs.
Identifiers: ClinVar variation 937120 (VCV000937120.10), dbSNP rs2091933920, ClinGen allele CA1139657526.